The following is an entry in ClinVar:

ClinVar aggregate classification (germline): Uncertain significance (1 of 4 stars; one submission).

Conditions:
Hereditary cancer-predisposing syndrome. Also called: Neoplastic Syndromes, Hereditary; Tumor predisposition; Hereditary neoplastic syndrome; Hereditary Cancer Syndrome. Identifiers: Orphanet 140162, MedGen C0027672, MeSH D009386, MONDO:0015356.

Submission:

Ambry Genetics
Classification: Uncertain significance for Hereditary cancer-predisposing syndrome. Last evaluated: 2026-07-16. Review status: criteria provided, single submitter. Criteria: Ambry Variant Classification Scheme 2023. Collection method: clinical testing. Allele origin: germline.
Comment: The p.M1? variant (also known as c.2T>C) is located in coding exon 1 of the MET gene and results from a T to C substitution at nucleotide position 2. This alters the methionine residue at the initiation codon (ATG). This amino acid position is highly conserved in available vertebrate species. Sequence variations that modify the initiation codon are expected to result in either loss of translation initiation, N-terminal truncation, or cause a shift in the mRNA reading frame. However, loss of function has not been established as a mechanism of disease. Based on the available evidence, the clinical significance of this variant remains unclear.

NM_000245.4(MET):c.2T>C (p.Met1Thr)

Gene: MET (MET proto-oncogene, receptor tyrosine kinase; plus strand). Cytogenetic location: 7q31.2.
Variant type: single nucleotide variant.
Coding change: c.2T>C on transcript NM_000245.4 (MANE Select); coding-DNA position 2, T replaced by C.
Protein change: p.Met1Thr; changes the start codon (methionine 1).
Molecular consequence: missense variant, initiator codon variant. On other transcripts: intron variant (1).
Genome position (GRCh38, 1-based): chr7:116,699,086, T>C. VCF-style: chr7-116699086-T-C. GRCh37 (hg19) VCF-style: chr7-116339140-T-C.
Other names: c.2T>C, p.Met1Thr (NM_001127500.3, NM_001324401.3); c.-91+26509T>C (NM_001324402.2); short protein forms M1T.
Identifiers: ClinVar variation 5024404 (VCV005024404.1).